The following is an entry in ClinVar:

ClinVar aggregate classification (germline): Pathogenic (1 of 4 stars; one submission).

Submission:

Labcorp Genetics (formerly Invitae), Labcorp
Classification: Pathogenic. Last evaluated: 2023-11-17. Review status: criteria provided, single submitter. Criteria: Invitae Variant Classification Sherloc (09022015). Collection method: clinical testing. Allele origin: germline.
Comment: This sequence change creates a premature translational stop signal (p.Ser956Phefs*12) in the TG gene. It is expected to result in an absent or disrupted protein product. Loss-of-function variants in TG are known to be pathogenic (PMID: 19837936, 23164529). This variant is not present in population databases (gnomAD no frequency). This variant has not been reported in the literature in individuals affected with TG-related conditions. For these reasons, this variant has been classified as Pathogenic.

Literature cited by the submitters: PubMed 19837936; PubMed 23164529.

NM_003235.5(TG):c.2866_2867del (p.Ser956fs)

Gene: TG (thyroglobulin; plus strand). Cytogenetic location: 8q24.22.
Variant type: Microsatellite.
Coding change: c.2866_2867del on transcript NM_003235.5 (MANE Select); coding-DNA positions 2866 to 2867, 2 bases deleted (AG; older notation c.2866_2867delAG).
Protein change: p.Ser956fs; shifts the reading frame from serine 956.
Molecular consequence: frameshift variant.
Genome position (GRCh38, 1-based): chr8:132,893,794-132,893,795, AG deleted; deleting any 2 consecutive bases within chr8:132,893,791-132,893,795 gives the same sequence; the c. name uses the placement nearest the transcript's 3' end. VCF-style (leftmost placement, unchanged base first): chr8-132893790-GGA-G. GRCh37 (hg19) VCF-style: chr8-133906035-GGA-G.
Other names: short protein forms S956fs.
Identifiers: ClinVar variation 2696424 (VCV002696424.3), dbSNP rs1816693659, ClinGen allele CA1820993480.